The following is an entry in ClinVar:

ClinVar aggregate classification (germline): Conflicting classifications of pathogenicity. Review status: criteria provided, conflicting classifications (1 of 4 stars). 3 submissions from 3 submitters: Likely pathogenic (2); Uncertain significance (1). Last evaluated 2025-10-27.

Conditions:
Carnitine acylcarnitine translocase deficiency (CACTD). Identifiers: Orphanet 159, MedGen C0342791, MONDO:0008918, OMIM 212138.

Allele frequency attached by ClinVar (database versions not stated): gnomAD 0.00001; 1000 Genomes Project 30x 0.00016.
gnomAD v4.1: 4 of 1,614,086 alleles (0.00025%); highest among the groups gnomAD compares: South Asian, 0.0011%; no homozygotes.

Submissions (3):

Women's Health and Genetics/Laboratory Corporation of America, LabCorp
Classification: Uncertain significance. Last evaluated: 2025-10-27. Review status: criteria provided, single submitter. Criteria: LabCorp Variant Classification Summary - May 2015. Collection method: clinical testing. Allele origin: germline.
Comment: Variant summary: SLC25A20 c.658G>A (p.Gly220Arg) results in a non-conservative amino acid change in the encoded protein sequence. Algorithms developed to predict the effect of missense changes on protein structure and function all suggest that this variant is likely to be disruptive. The variant was absent in 251130 control chromosomes. The available data on variant occurrences in the general population are insufficient to allow any conclusion about variant significance. c.658G>A has been observed in at least one individual affected with Carnitine-Acylcarnitine Translocase Deficiency (example:Kritzer_2020). These data do not allow any conclusion about variant significance. To our knowledge, no experimental evidence demonstrating an impact on protein function has been reported. The following publications have been ascertained in the context of this evaluation (PMID: 32905135, 36419912). ClinVar contains an entry for this variant (Variation ID: 932184). Based on the evidence outlined above, the variant was classified as uncertain significance.

Fulgent Genetics
Classification: Likely pathogenic for Carnitine acylcarnitine translocase deficiency. Last evaluated: 2024-06-20. Review status: criteria provided, single submitter. Criteria: ACMG Guidelines, 2015. Collection method: clinical testing. Allele origin: germline.

Labcorp Genetics (formerly Invitae), Labcorp
Classification: Likely pathogenic for Carnitine acylcarnitine translocase deficiency. Last evaluated: 2023-08-28. Review status: criteria provided, single submitter. Criteria: Invitae Variant Classification Sherloc (09022015). Collection method: clinical testing. Allele origin: germline.
Comment: This sequence change replaces glycine, which is neutral and non-polar, with arginine, which is basic and polar, at codon 220 of the SLC25A20 protein (p.Gly220Arg). This variant is not present in population databases (gnomAD no frequency). This missense change has been observed in individual(s) with carnitine-acylcarnitine translocase deficiency (PMID: 32905135). In at least one individual the data is consistent with being in trans (on the opposite chromosome) from a pathogenic variant. ClinVar contains an entry for this variant (Variation ID: 932184). Advanced modeling of protein sequence and biophysical properties (such as structural, functional, and spatial information, amino acid conservation, physicochemical variation, residue mobility, and thermodynamic stability) performed at Invitae indicates that this missense variant is expected to disrupt SLC25A20 protein function. In summary, the currently available evidence indicates that the variant is pathogenic, but additional data are needed to prove that conclusively. Therefore, this variant has been classified as Likely Pathogenic.

Literature cited by the submitters: PubMed 32905135 (cited by Women's Health and Genetics/Laboratory Corporation of America, LabCorp and Labcorp Genetics (formerly Invitae), Labcorp); PubMed 36419912 (cited by Women's Health and Genetics/Laboratory Corporation of America, LabCorp).

NM_000387.6(SLC25A20):c.658G>A (p.Gly220Arg)

Gene: SLC25A20 (solute carrier family 25 member 20; minus strand). Cytogenetic location: 3p21.31.
Variant type: single nucleotide variant.
Coding change: c.658G>A on transcript NM_000387.6 (MANE Select); coding-DNA position 658, G replaced by A.
Protein change: p.Gly220Arg; replaces glycine 220 with arginine.
Molecular consequence: missense variant.
Genome position (GRCh38, 1-based): chr3:48,859,152, C>T on the plus strand (G>A on the coding strand, the complement: SLC25A20 is on the minus strand). VCF-style: chr3-48859152-C-T. GRCh37 (hg19) VCF-style: chr3-48896585-C-T.
Other names: short protein forms G220R.
Identifiers: ClinVar variation 932184 (VCV000932184.10), dbSNP rs2083603903, ClinGen allele CA352626417.